The following is an entry in ClinVar:

ClinVar aggregate classification (germline): Likely benign (0 of 4 stars; one submission).

Conditions:
DMPK-related disorder. Also called: DMPK-related condition.

Allele frequency attached by ClinVar (database versions not stated): TOPMed 0.00013; ESP Exome Variant Server 0.00015; gnomAD 0.00023; gnomAD exomes 0.00027; 1000 Genomes Project 30x 0.00047; ExAC 0.00059; 1000 Genomes Project 0.00060.

Submissions (2):

PreventionGenetics, part of Exact Sciences
Classification: Likely benign for DMPK-related condition. Last evaluated: 2019-05-16. Review status: no assertion criteria provided. Collection method: clinical testing. Allele origin: germline.
Comment: This variant is classified as likely benign based on ACMG/AMP sequence variant interpretation guidelines (Richards et al. 2015 PMID: 25741868, with internal and published modifications).

Dr. Peter K. Rogan Lab, Western University
No classification provided (evidence only). Condition: Gastric cancer. Review status: no classification provided. Collection method: in vitro. Allele origin: not applicable. Functional consequence: retained intron. Not counted in ClinVar's aggregate classification.

NM_004409.5(DMPK):c.675G>A (p.Thr225=)

Gene: DMPK (DM1 protein kinase; minus strand). Cytogenetic location: 19q13.32.
Variant type: single nucleotide variant.
Coding change: c.675G>A on transcript NM_004409.5 (MANE Select); coding-DNA position 675, G replaced by A.
Protein change: p.Thr225=; no amino-acid change (threonine 225 retained).
Molecular consequence: synonymous variant.
Genome position (GRCh38, 1-based): chr19:45,778,127, C>T on the plus strand (G>A on the coding strand, the complement: DMPK is on the minus strand). VCF-style: chr19-45778127-C-T. GRCh37 (hg19) VCF-style: chr19-46281385-C-T.
Other names: NC_000019.9:g.46281385C>T; c.705G>A, p.Thr235= (NM_001081563.3); c.753G>A, p.Thr251= (NM_001288764.2, NM_001424163.1); c.408G>A, p.Thr136= (NM_001288765.2); c.675G>A, p.Thr225= (NM_001288766.2, NM_001424162.1, NM_001424164.1 and 5 more transcripts); c.234G>A, p.Thr78= (NM_001424166.1).
Identifiers: ClinVar variation 3037145 (VCV003037145.3), dbSNP rs143006643, ClinGen allele CA9521414.